The following is an entry in ClinVar:

ClinVar aggregate classification (germline): Uncertain significance. Review status: criteria provided, multiple submitters, no conflicts (2 of 4 stars). 2 submissions from 2 submitters: Uncertain significance (2). Last evaluated 2026-01-01.

Conditions:
Encephalopathy, acute, infection-induced (herpes-specific), susceptibility to, 1. Also called: Herpes simplex encephalitis, susceptibility to, 1. Identifiers: Orphanet 1930, MedGen C2750180, MONDO:0024563, OMIM 610551.

Allele frequency attached by ClinVar (database versions not stated): ExAC 0.00033; TOPMed 0.00004.
gnomAD v4.1: 38 of 1,488,516 alleles (0.0026%); highest among the groups gnomAD compares: Admixed American, 0.0067%; no homozygotes.

Submissions (2):

CeGaT Center for Human Genetics Tuebingen
Classification: Uncertain significance. Last evaluated: 2026-01-01. Review status: criteria provided, single submitter. Criteria: CeGaT Center For Human Genetics Tuebingen Variant Classification Criteria Version 2. Collection method: clinical testing. Allele origin: germline. Affected: yes. Observed: 1 variant allele.
Comment: UNC93B1: PM2, PP3

Labcorp Genetics (formerly Invitae), Labcorp
Classification: Uncertain significance for Encephalopathy, acute, infection-induced (herpes-specific), susceptibility to, 1. Last evaluated: 2022-01-17. Review status: criteria provided, single submitter. Criteria: Invitae Variant Classification Sherloc (09022015). Collection method: clinical testing. Allele origin: germline.
Comment: This sequence change falls in intron 8 of the UNC93B1 gene. It does not directly change the encoded amino acid sequence of the UNC93B1 protein. This variant is present in population databases (rs755512821, gnomAD 0.1%). This variant has not been reported in the literature in individuals affected with UNC93B1-related conditions. ClinVar contains an entry for this variant (Variation ID: 940213). Algorithms developed to predict the effect of sequence changes on RNA splicing suggest that this variant may disrupt the consensus splice site. In summary, the available evidence is currently insufficient to determine the role of this variant in disease. Therefore, it has been classified as a Variant of Uncertain Significance.

NM_030930.4(UNC93B1):c.1090-5C>A

Gene: UNC93B1 (unc-93B1 regulator of TLR signaling; minus strand). Cytogenetic location: 11q13.2.
Variant type: single nucleotide variant.
Coding change: c.1090-5C>A on transcript NM_030930.4 (MANE Select); 5 bases into the intron before coding-DNA position 1090, C replaced by A.
Molecular consequence: intron variant.
Genome position (GRCh38, 1-based): chr11:67,995,889, G>T on the plus strand (C>A on the coding strand, the complement: UNC93B1 is on the minus strand). VCF-style: chr11-67995889-G-T. GRCh37 (hg19) VCF-style: chr11-67763360-G-T.
Identifiers: ClinVar variation 940213 (VCV000940213.9), dbSNP rs755512821, ClinGen allele CA6145446.